The following is an entry in ClinVar:

ClinVar aggregate classification (germline): Uncertain significance. Review status: criteria provided, multiple submitters, no conflicts (2 of 4 stars). 2 submissions from 2 submitters: Uncertain significance (2). Last evaluated 2023-11-21.

Conditions:
Hereditary cancer-predisposing syndrome. Also called: Neoplastic Syndromes, Hereditary; Tumor predisposition; Hereditary Cancer Syndrome; Hereditary neoplastic syndrome. Identifiers: Orphanet 140162, MedGen C0027672, MeSH D009386, MONDO:0015356.
Multiple endocrine neoplasia, type 2 (MEN2). Identifiers: Orphanet 653, MedGen C4048306, MONDO:0019003. Disease mechanism: gain of function.

Submissions (2):

Ambry Genetics
Classification: Uncertain significance for Hereditary cancer-predisposing syndrome. Last evaluated: 2023-11-21. Review status: criteria provided, single submitter. Criteria: Ambry Variant Classification Scheme 2023. Collection method: clinical testing. Allele origin: germline.
Comment: The p.V822L variant (also known as c.2464G>T), located in coding exon 14 of the RET gene, results from a G to T substitution at nucleotide position 2464. The valine at codon 822 is replaced by leucine, an amino acid with highly similar properties. This amino acid position is not well conserved in available vertebrate species. In addition, this alteration is predicted to be tolerated by in silico analysis. Since supporting evidence is limited at this time, the clinical significance of this alteration remains unclear.

Labcorp Genetics (formerly Invitae), Labcorp
Classification: Uncertain significance for Multiple endocrine neoplasia, type 2. Last evaluated: 2020-06-10. Review status: criteria provided, single submitter. Criteria: Invitae Variant Classification Sherloc (09022015). Collection method: clinical testing. Allele origin: germline.
Comment: In summary, the available evidence is currently insufficient to determine the role of this variant in disease. Therefore, it has been classified as a Variant of Uncertain Significance. This sequence change replaces valine with leucine at codon 822 of the RET protein (p.Val822Leu). The valine residue is moderately conserved and there is a small physicochemical difference between valine and leucine. This variant is not present in population databases (ExAC no frequency). This variant has not been reported in the literature in individuals with RET-related conditions. Algorithms developed to predict the effect of missense changes on protein structure and function (SIFT, PolyPhen-2, Align-GVGD) all suggest that this variant is likely to be tolerated, but these predictions have not been confirmed by published functional studies and their clinical significance is uncertain.

NM_020975.6(RET):c.2464G>T (p.Val822Leu)

Gene: RET (ret proto-oncogene; plus strand). Cytogenetic location: 10q11.21.
Variant type: single nucleotide variant.
Coding change: c.2464G>T on transcript NM_020975.6 (MANE Select); coding-DNA position 2464, G replaced by T.
Protein change: p.Val822Leu; replaces valine 822 with leucine.
Molecular consequence: missense variant.
Genome position (GRCh38, 1-based): chr10:43,119,602, G>T. VCF-style: chr10-43119602-G-T. GRCh37 (hg19) VCF-style: chr10-43615050-G-T.
Other names: c.2464G>T, p.Val822Leu (NM_000323.2, NM_001406743.1, NM_001406744.1 and 4 more transcripts); c.1702G>T, p.Val568Leu (NM_001355216.2); c.2335G>T, p.Val779Leu (NM_001406761.1, NM_001406762.1, NM_001406764.1); c.2329G>T, p.Val777Leu (NM_001406763.1, NM_001406765.1); c.1939G>T, p.Val647Leu (NM_001406774.1); c.1738G>T, p.Val580Leu (NM_001406775.1, NM_001406776.1, NM_001406777.1 and 1 more transcripts); c.1567G>T, p.Val523Leu (NM_001406779.1, NM_001406780.1, NM_001406781.1 and 1 more transcripts); c.2176G>T, p.Val726Leu (NM_001406767.1, NM_001406766.1, NM_001406770.1); and 10 more; short protein forms V568L, V822L, V427L, V387L, V492L, V777L, V339L, V480L.
Identifiers: ClinVar variation 1000528 (VCV001000528.12), dbSNP rs1588877202, ClinGen allele CA376556279.